The following is an entry in ClinVar:

ClinVar aggregate classification (germline): Uncertain significance (1 of 4 stars; one submission).

Conditions:
CEP290-related disorder. Also called: CEP290-related condition; CEP290-related disorders. Identifiers: MedGen CN239314.

Submission:

PreventionGenetics, part of Exact Sciences
Classification: Uncertain significance for CEP290-related condition. Last evaluated: 2025-04-28. Review status: criteria provided, single submitter. Criteria: ACMG Guidelines, 2015. Collection method: clinical testing. Allele origin: germline.
Comment: The CEP290 c.7058A>G variant is predicted to result in the amino acid substitution p.Lys2353Arg. To our knowledge, this variant has not been reported in the literature or in a large population database (gnomAD), indicating this variant is rare. At this time, the clinical significance of this variant is uncertain due to the absence of conclusive functional and genetic evidence.

NM_025114.4(CEP290):c.7058A>G (p.Lys2353Arg)

Gene: CEP290 (centrosomal protein 290; minus strand). Cytogenetic location: 12q21.32.
Variant type: single nucleotide variant.
Coding change: c.7058A>G on transcript NM_025114.4 (MANE Select); coding-DNA position 7058, A replaced by G.
Protein change: p.Lys2353Arg; replaces lysine 2353 with arginine.
Molecular consequence: missense variant.
Genome position (GRCh38, 1-based): chr12:88,053,723, T>C on the plus strand (A>G on the coding strand, the complement: CEP290 is on the minus strand). VCF-style: chr12-88053723-T-C. GRCh37 (hg19) VCF-style: chr12-88447500-T-C.
Other names: short protein forms K2353R.
Identifiers: ClinVar variation 4997741 (VCV004997741.1).